The following is an entry in ClinVar:

ClinVar aggregate classification (germline): Uncertain significance (1 of 4 stars; one submission).

Conditions:
Werner syndrome (WRN). Identifiers: Orphanet 902, MedGen C0043119, MONDO:0010196, OMIM 277700.

Submission:

Labcorp Genetics (formerly Invitae), Labcorp
Classification: Uncertain significance for Werner syndrome. Last evaluated: 2025-04-28. Review status: criteria provided, single submitter. Criteria: Invitae Variant Classification Sherloc (09022015). Collection method: clinical testing. Allele origin: germline.
Comment: This sequence change replaces glutamine, which is neutral and polar, with histidine, which is basic and polar, at codon 1239 of the WRN protein (p.Gln1239His). This variant is not present in population databases (gnomAD no frequency). This variant has not been reported in the literature in individuals affected with WRN-related conditions. ClinVar contains an entry for this variant (Variation ID: 2717411). An algorithm developed to predict the effect of missense changes on protein structure and function (PolyPhen-2) suggests that this variant is likely to be tolerated. In summary, the available evidence is currently insufficient to determine the role of this variant in disease. Therefore, it has been classified as a Variant of Uncertain Significance.

NM_000553.6(WRN):c.3717A>T (p.Gln1239His)

Gene: WRN (WRN RecQ like helicase; plus strand). Cytogenetic location: 8p12.
Variant type: single nucleotide variant.
Coding change: c.3717A>T on transcript NM_000553.6 (MANE Select); coding-DNA position 3717, A replaced by T.
Protein change: p.Gln1239His; replaces glutamine 1239 with histidine.
Molecular consequence: missense variant.
Genome position (GRCh38, 1-based): chr8:31,154,653, A>T. VCF-style: chr8-31154653-A-T. GRCh37 (hg19) VCF-style: chr8-31012169-A-T.
Other names: short protein forms Q1239H.
Identifiers: ClinVar variation 2717411 (VCV002717411.3), dbSNP rs1268936425, ClinGen allele CA370928919.